The following is an entry in ClinVar:

ClinVar aggregate classification (germline): Uncertain significance (1 of 4 stars; one submission).

Submission:

Greenwood Genetic Center Diagnostic Laboratories, Greenwood Genetic Center
Classification: Uncertain significance. Last evaluated: 2022-12-16. Review status: criteria provided, single submitter. Criteria: ACMG Guidelines, 2015. Collection method: clinical testing. Allele origin: germline. Affected: yes.
Comment: Gene of Uncertain Significance

NM_001007.5(RPS4X):c.203G>A (p.Arg68Gln)

Gene: RPS4X (ribosomal protein S4 X-linked; minus strand). Cytogenetic location: Xq13.1.
Variant type: single nucleotide variant.
Coding change: c.203G>A on transcript NM_001007.5 (MANE Select); coding-DNA position 203, G replaced by A.
Protein change: p.Arg68Gln; replaces arginine 68 with glutamine.
Molecular consequence: missense variant.
Genome position (GRCh38, 1-based): chrX:72,275,603, C>T on the plus strand (G>A on the coding strand, the complement: RPS4X is on the minus strand). VCF-style: chrX-72275603-C-T. GRCh37 (hg19) VCF-style: chrX-71495453-C-T.
Other names: short protein forms R68Q.
Identifiers: ClinVar variation 2429036 (VCV002429036.4), dbSNP rs2519677199, ClinGen allele CA413579880.